The following is an entry in ClinVar:

ClinVar aggregate classification (germline): Uncertain significance (1 of 4 stars; one submission).

Conditions:
Developmental and epileptic encephalopathy, 32 (DEE32). Also called: Epileptic encephalopathy, early infantile, 32. Identifiers: Orphanet 442835, MedGen C4225350, MONDO:0014607, OMIM 616366.

Allele frequency attached by ClinVar (database versions not stated): gnomAD exomes below 0.00001; ExAC 0.00001.
gnomAD v4.1: 1 of 1,614,054 alleles (0.000062%); highest among the groups gnomAD compares: Non-Finnish European, 0.000085%; no homozygotes.

Submission:

Labcorp Genetics (formerly Invitae), Labcorp
Classification: Uncertain significance for Developmental and epileptic encephalopathy, 32. Last evaluated: 2023-12-18. Review status: criteria provided, single submitter. Criteria: Invitae Variant Classification Sherloc (09022015). Collection method: clinical testing. Allele origin: germline.
Comment: This sequence change replaces arginine, which is basic and polar, with cysteine, which is neutral and slightly polar, at codon 138 of the KCNA2 protein (p.Arg138Cys). This variant is not present in population databases (gnomAD no frequency). This variant has not been reported in the literature in individuals affected with KCNA2-related conditions. ClinVar contains an entry for this variant (Variation ID: 1950671). Advanced modeling of protein sequence and biophysical properties (such as structural, functional, and spatial information, amino acid conservation, physicochemical variation, residue mobility, and thermodynamic stability) performed at Invitae indicates that this missense variant is not expected to disrupt KCNA2 protein function with a negative predictive value of 80%. In summary, the available evidence is currently insufficient to determine the role of this variant in disease. Therefore, it has been classified as a Variant of Uncertain Significance.

NM_004974.4(KCNA2):c.412C>T (p.Arg138Cys)

Gene: KCNA2 (potassium voltage-gated channel subfamily A member 2; minus strand). Cytogenetic location: 1p13.3.
Variant type: single nucleotide variant.
Coding change: c.412C>T on transcript NM_004974.4 (MANE Select); coding-DNA position 412, C replaced by T.
Protein change: p.Arg138Cys; replaces arginine 138 with cysteine.
Molecular consequence: missense variant.
Genome position (GRCh38, 1-based): chr1:110,604,371, G>A on the plus strand (C>T on the coding strand, the complement: KCNA2 is on the minus strand). VCF-style: chr1-110604371-G-A. GRCh37 (hg19) VCF-style: chr1-111146993-G-A.
Other names: c.412C>T, p.Arg138Cys (NM_001204269.2); short protein forms R138C.
Identifiers: ClinVar variation 1950671 (VCV001950671.5), dbSNP rs757141567, ClinGen allele CA1000719.